The following is an entry in ClinVar:

NM_001077653.2(TBX20):c.149C>T (p.Ser50Phe)

Gene: TBX20 (T-box transcription factor 20; minus strand). Cytogenetic location: 7p14.2.
Variant type: single nucleotide variant.
Coding change: c.149C>T on transcript NM_001077653.2 (MANE Select); coding-DNA position 149, C replaced by T.
Protein change: p.Ser50Phe; replaces serine 50 with phenylalanine.
Molecular consequence: missense variant.
Genome position (GRCh38, 1-based): chr7:35,250,182, G>A on the plus strand (C>T on the coding strand, the complement: TBX20 is on the minus strand). VCF-style: chr7-35250182-G-A. GRCh37 (hg19) VCF-style: chr7-35289794-G-A.
Other names: c.149C>T, p.Ser50Phe (NM_001166220.1); short protein forms S50F.
Identifiers: ClinVar variation 3453881 (VCV003453881.1).

ClinVar aggregate classification (germline): Uncertain significance (1 of 4 stars; one submission).

Conditions:
Cardiovascular phenotype. Identifiers: MedGen CN230736.

Submission:

Ambry Genetics
Classification: Uncertain significance for Cardiovascular phenotype. Last evaluated: 2024-11-03. Review status: criteria provided, single submitter. Criteria: Ambry Variant Classification Scheme 2023. Collection method: clinical testing. Allele origin: germline.
Comment: The p.S50F variant (also known as c.149C>T), located in coding exon 2 of the TBX20 gene, results from a C to T substitution at nucleotide position 149. The serine at codon 50 is replaced by phenylalanine, an amino acid with highly dissimilar properties. This amino acid position is conserved. In addition, this alteration is predicted to be deleterious by in silico analysis. Based on the available evidence, the clinical significance of this variant remains unclear.